The following is an entry in ClinVar:

ClinVar aggregate classification (germline): Uncertain significance. Review status: criteria provided, multiple submitters, no conflicts (2 of 4 stars). 2 submissions from 2 submitters: Uncertain significance (2). Last evaluated 2024-02-13.

Allele frequency attached by ClinVar (database versions not stated): 1000 Genomes Project 30x 0.00047; 1000 Genomes Project 0.00060.
gnomAD v4.1: 141 of 1,613,344 alleles (0.0087%); highest among the groups gnomAD compares: East Asian, 0.31%; no homozygotes.

Submissions (2):

Blueprint Genetics
Classification: Uncertain significance. Last evaluated: 2024-02-13. Review status: criteria provided, single submitter. Criteria: ACMG Guidelines, 2015. Collection method: clinical testing. Allele origin: germline.

Labcorp Genetics (formerly Invitae), Labcorp
Classification: Uncertain significance. Last evaluated: 2023-09-01. Review status: criteria provided, single submitter. Criteria: Invitae Variant Classification Sherloc (09022015). Collection method: clinical testing. Allele origin: germline.
Comment: This sequence change replaces proline, which is neutral and non-polar, with threonine, which is neutral and polar, at codon 282 of the CDSN protein (p.Pro282Thr). This variant is present in population databases (rs564806482, gnomAD 0.2%). This variant has not been reported in the literature in individuals affected with CDSN-related conditions. Advanced modeling of protein sequence and biophysical properties (such as structural, functional, and spatial information, amino acid conservation, physicochemical variation, residue mobility, and thermodynamic stability) performed at Invitae indicates that this missense variant is expected to disrupt CDSN protein function. In summary, the available evidence is currently insufficient to determine the role of this variant in disease. Therefore, it has been classified as a Variant of Uncertain Significance.

NM_001264.5(CDSN):c.844C>A (p.Pro282Thr)

Genes: CDSN (corneodesmosin; minus strand), PSORS1C1 (psoriasis susceptibility 1 candidate 1; plus strand). Cytogenetic location: 6p21.33.
Variant type: single nucleotide variant.
Coding change: c.844C>A on transcript NM_001264.5 (MANE Select); coding-DNA position 844, C replaced by A.
Protein change: p.Pro282Thr; replaces proline 282 with threonine.
Molecular consequence: missense variant. On other transcripts: intron variant (1).
Genome position (GRCh38, 1-based): chr6:31,116,771, G>T on the plus strand (C>A on the coding strand, the complement: CDSN is on the minus strand). VCF-style: chr6-31116771-G-T. GRCh37 (hg19) VCF-style: chr6-31084548-G-T.
Other names: c.-229+1880G>T (NM_014068.3); short protein forms P282T.
Identifiers: ClinVar variation 2898544 (VCV002898544.4), dbSNP rs564806482, ClinGen allele CA3708415.